The following is an entry in ClinVar:

ClinVar aggregate classification (germline): Conflicting classifications of pathogenicity. Review status: criteria provided, conflicting classifications (1 of 4 stars). 3 submissions from 3 submitters: Likely pathogenic (1); Uncertain significance (2). Last evaluated 2025-08-01.

Conditions:
Asphyxiating thoracic dystrophy 3. Also called: SHORT-RIB THORACIC DYSPLASIA 3 WITH OR WITHOUT POLYDACTYLY; POLYDACTYLY WITH NEONATAL CHONDRODYSTROPHY, TYPE I; SHORT-RIB THORACIC DYSPLASIA 3/6 WITH POLYDACTYLY, DIGENIC; Short rib polydactyly syndrome 2B; Saldino-Noonan Syndrome. Identifiers: Orphanet 474, Orphanet 93269, Orphanet 93270, Orphanet 93271, MedGen C0036069, MONDO:0013127, OMIM 613091.

gnomAD v4.1: 4 of 1,603,730 alleles (0.00025%); highest among the groups gnomAD compares: Non-Finnish European, 0.00034%; no homozygotes.

Submissions (3):

Myriad Genetics, Inc.
Classification: Uncertain significance for Asphyxiating thoracic dystrophy 3. Last evaluated: 2025-08-01. Review status: criteria provided, single submitter. Criteria: Myriad Autosomal Dominant, Autosomal Recessive and X-Linked Classification Criteria (2023). Collection method: clinical testing. Allele origin: unknown.
Comment: NM_001377.2(DYNC2H1):c.11413T>G(F3805V) is a missense variant classified as a variant of uncertain significance in the context of DYNC2H1-related disorders. F3805V has been observed in a case with relevant disease (PMID: 35627109). Relevant functional assessments of this variant are not available in the literature. F3805V has been observed in referenced population frequency databases. In summary, there is insufficient evidence to classify NM_001377.2(DYNC2H1):c.11413T>G(F3805V) as pathogenic or benign. Please note: this variant was assessed in the context of healthy population screening.

GeneDx
Classification: Likely pathogenic. Last evaluated: 2024-08-13. Review status: criteria provided, single submitter. Criteria: GeneDx Variant Classification Process June 2021. Collection method: clinical testing. Allele origin: germline. Affected: yes.
Comment: Not observed at significant frequency in large population cohorts (gnomAD); In silico analysis supports that this missense variant has a deleterious effect on protein structure/function; In silico analysis is inconclusive as to whether the variant alters gene splicing. In the absence of RNA/functional studies, the actual effect of this sequence change is unknown.; This variant is associated with the following publications: (PMID: 35627109)

Blueprint Genetics
Classification: Uncertain significance. Last evaluated: 2024-07-30. Review status: criteria provided, single submitter. Criteria: ACMG Guidelines, 2015. Collection method: clinical testing. Allele origin: germline.

Literature cited by the submitters: PubMed 35627109 (cited by Myriad Genetics, Inc.).

NM_001377.3(DYNC2H1):c.11413T>G (p.Phe3805Val)

Gene: DYNC2H1 (dynein cytoplasmic 2 heavy chain 1; plus strand). Cytogenetic location: 11q22.3.
Variant type: single nucleotide variant.
Coding change: c.11413T>G on transcript NM_001377.3 (MANE Select); coding-DNA position 11413, T replaced by G.
Protein change: p.Phe3805Val; replaces phenylalanine 3805 with valine.
Molecular consequence: missense variant.
Genome position (GRCh38, 1-based): chr11:103,307,751, T>G. VCF-style: chr11-103307751-T-G. GRCh37 (hg19) VCF-style: chr11-103178480-T-G.
Other names: c.11434T>G, p.Phe3812Val (NM_001080463.2); short protein forms F3805V, F3812V.
Identifiers: ClinVar variation 3730895 (VCV003730895.3).